The following is an entry in ClinVar:

ClinVar aggregate classification (germline): Uncertain significance. Review status: criteria provided, multiple submitters, no conflicts (2 of 4 stars). 2 submissions from 2 submitters: Uncertain significance (2). Last evaluated 2025-08-10.

Conditions:
Hereditary cancer-predisposing syndrome. Also called: Hereditary neoplastic syndrome; Neoplastic Syndromes, Hereditary; Tumor predisposition; Hereditary Cancer Syndrome. Identifiers: Orphanet 140162, MedGen C0027672, MeSH D009386, MONDO:0015356.

Allele frequency attached by ClinVar (database versions not stated): gnomAD exomes below 0.00001; ExAC 0.00001.

Submissions (2):

Labcorp Genetics (formerly Invitae), Labcorp
Classification: Uncertain significance. Last evaluated: 2025-08-10. Review status: criteria provided, single submitter. Criteria: Invitae Variant Classification Sherloc (09022015). Collection method: clinical testing. Allele origin: germline.
Comment: This sequence change replaces alanine, which is neutral and non-polar, with valine, which is neutral and non-polar, at codon 494 of the FH protein (p.Ala494Val). This variant is present in population databases (rs752369363, gnomAD 0.003%). This variant has not been reported in the literature in individuals affected with FH-related conditions. ClinVar contains an entry for this variant (Variation ID: 940902). Invitae Evidence Modeling of protein sequence and biophysical properties (such as structural, functional, and spatial information, amino acid conservation, physicochemical variation, residue mobility, and thermodynamic stability) has been performed for this missense variant. However, the output from this modeling did not meet the statistical confidence thresholds required to predict the impact of this variant on FH protein function. In summary, the available evidence is currently insufficient to determine the role of this variant in disease. Therefore, it has been classified as a Variant of Uncertain Significance.

Ambry Genetics
Classification: Uncertain significance for Hereditary cancer-predisposing syndrome. Last evaluated: 2024-03-06. Review status: criteria provided, single submitter. Criteria: Ambry Variant Classification Scheme 2023. Collection method: clinical testing. Allele origin: germline.
Comment: The p.A494V variant (also known as c.1481C>T), located in coding exon 10 of the FH gene, results from a C to T substitution at nucleotide position 1481. The alanine at codon 494 is replaced by valine, an amino acid with similar properties. This amino acid position is not well conserved in available vertebrate species. In addition, the in silico prediction for this alteration is inconclusive. Since supporting evidence is limited at this time, the clinical significance of this alteration remains unclear.

NM_000143.4(FH):c.1481C>T (p.Ala494Val)

Gene: FH (fumarate hydratase; minus strand). Cytogenetic location: 1q43.
Variant type: single nucleotide variant.
Coding change: c.1481C>T on transcript NM_000143.4 (MANE Select); coding-DNA position 1481, C replaced by T.
Protein change: p.Ala494Val; replaces alanine 494 with valine.
Molecular consequence: missense variant.
Genome position (GRCh38, 1-based): chr1:241,497,880, G>A on the plus strand (C>T on the coding strand, the complement: FH is on the minus strand). VCF-style: chr1-241497880-G-A. GRCh37 (hg19) VCF-style: chr1-241661180-G-A.
Other names: short protein forms A494V.
Identifiers: ClinVar variation 940902 (VCV000940902.12), dbSNP rs752369363, ClinGen allele CA1478428.